The following is an entry in ClinVar:

ClinVar aggregate classification (germline): Uncertain significance (1 of 4 stars; one submission).

Conditions:
Megaconial type congenital muscular dystrophy (MDCMC). Also called: CHKB-Related Muscular Dystrophy; MUSCULAR DYSTROPHY, CONGENITAL, WITH MITOCHONDRIAL STRUCTURAL ABNORMALITIES; CHKB-Related Muscle Diseases. Identifiers: Orphanet 280671, MedGen C1865233, MONDO:0011246, OMIM 602541.

Submission:

Labcorp Genetics (formerly Invitae), Labcorp
Classification: Uncertain significance for Megaconial type congenital muscular dystrophy. Last evaluated: 2021-08-26. Review status: criteria provided, single submitter. Criteria: Invitae Variant Classification Sherloc (09022015). Collection method: clinical testing. Allele origin: germline.
Comment: This sequence change replaces isoleucine with valine at codon 148 of the CHKB protein (p.Ile148Val). The isoleucine residue is weakly conserved and there is a small physicochemical difference between isoleucine and valine. This variant is not present in population databases (ExAC no frequency). This variant has not been reported in the literature in individuals affected with CHKB-related conditions. Algorithms developed to predict the effect of missense changes on protein structure and function (SIFT, PolyPhen-2, Align-GVGD) all suggest that this variant is likely to be tolerated. In summary, the available evidence is currently insufficient to determine the role of this variant in disease. Therefore, it has been classified as a Variant of Uncertain Significance.

NM_005198.5(CHKB):c.442A>G (p.Ile148Val)

Genes: CHKB-CPT1B (CHKB-CPT1B readthrough (NMD candidate); minus strand), CHKB (choline kinase beta; minus strand). Cytogenetic location: 22q13.33.
Variant type: single nucleotide variant.
Coding change: c.442A>G on transcript NM_005198.5 (MANE Select); coding-DNA position 442, A replaced by G.
Protein change: p.Ile148Val; replaces isoleucine 148 with valine.
Molecular consequence: missense variant. On other transcripts: non-coding transcript variant (1).
Genome position (GRCh38, 1-based): chr22:50,581,754, T>C on the plus strand (A>G on the coding strand, the complement: CHKB is on the minus strand). VCF-style: chr22-50581754-T-C. GRCh37 (hg19) VCF-style: chr22-51020183-T-C.
Other names: short protein forms I148V.
Identifiers: ClinVar variation 1469332 (VCV001469332.5), dbSNP rs2146656696, ClinGen allele CA412201098.